The following is an entry in ClinVar:

ClinVar aggregate classification (germline): Uncertain significance (1 of 4 stars; one submission).

gnomAD v4.1: 1 of 1,614,092 alleles (0.000062%); highest among the groups gnomAD compares: Non-Finnish European, 0.000085%; no homozygotes.

Submission:

Ambry Genetics
Classification: Uncertain significance. Last evaluated: 2025-04-01. Review status: criteria provided, single submitter. Criteria: Ambry Variant Classification Scheme 2023. Collection method: clinical testing. Allele origin: germline.
Comment: The p.S512R variant (also known as c.1536C>G), located in coding exon 8 of the ATRIP gene, results from a C to G substitution at nucleotide position 1536. The serine at codon 512 is replaced by arginine, an amino acid with dissimilar properties. This amino acid position is conserved. In addition, this alteration is predicted to be tolerated by in silico analysis. Based on the available evidence, the clinical significance of this variant remains unclear.

NM_130384.3(ATRIP):c.1536C>G (p.Ser512Arg)

Genes: ATRIP (ATR interacting protein; plus strand), ATRIP-TREX1 (ATRIP-TREX1 readthrough; plus strand). Cytogenetic location: 3p21.31.
Variant type: single nucleotide variant.
Coding change: c.1536C>G on transcript NM_130384.3 (MANE Select); coding-DNA position 1536, C replaced by G.
Protein change: p.Ser512Arg; replaces serine 512 with arginine.
Molecular consequence: missense variant. On other transcripts: non-coding transcript variant (1).
Genome position (GRCh38, 1-based): chr3:48,460,590, C>G. VCF-style: chr3-48460590-C-G. GRCh37 (hg19) VCF-style: chr3-48501989-C-G.
Other names: c.1155C>G, p.Ser385Arg (NM_001271022.2); c.1257C>G, p.Ser419Arg (NM_001271023.2); c.1536C>G, p.Ser512Arg (NM_032166.4); short protein forms S419R, S385R, S512R.
Identifiers: ClinVar variation 3975918 (VCV003975918.1).
Genomic context (GRCh38, chr3:48,460,590, plus strand): 5'-CGTCTCCCTATTACTGTCAGGAGTGGGGGCAGATTCTGCTGCTGGGGAAGGAAACAGGAG[C>G]CTGGTTCACAGGCTTAGTGATGGAGATATGACCTCAGCCCTAAGGGGGGTTGCTGATGAC-3'
Protein context (NP_569055.1, residues 502-522): ADSAAGEGNR[Ser512Arg]LVHRLSDGDM